The following is an entry in ClinVar:

NM_004453.4(ETFDH):c.407C>A (p.Ala136Asp)

Gene: ETFDH (electron transfer flavoprotein dehydrogenase; plus strand). Cytogenetic location: 4q32.1.
Variant type: single nucleotide variant.
Coding change: c.407C>A on transcript NM_004453.4 (MANE Select); coding-DNA position 407, C replaced by A.
Protein change: p.Ala136Asp; replaces alanine 136 with aspartic acid.
Molecular consequence: missense variant.
Genome position (GRCh38, 1-based): chr4:158,684,593, C>A. VCF-style: chr4-158684593-C-A. GRCh37 (hg19) VCF-style: chr4-159605745-C-A.
Other names: c.266C>A, p.Ala89Asp (NM_001281737.2); c.224C>A, p.Ala75Asp (NM_001281738.1); short protein forms A136D, A75D, A89D.
Identifiers: ClinVar variation 3906277 (VCV003906277.1).
Genomic context (GRCh38, chr4:158,684,593, plus strand): 5'-TTATATTTACACTTGCAAATATAAACTAAAAACATTTCTTTTTCTTCTTTTATTTCTAGG[C>A]TCCACTTAACACTCCTGTAACAGAAGACAGATTTGGAATTTTAACAGAGAAATACAGAAT-3'
Protein context (NP_004444.2, residues 126-146): ELFPDWKEKG[Ala136Asp]PLNTPVTEDR

ClinVar aggregate classification (germline): Uncertain significance (1 of 4 stars; one submission).

Submission:

GeneDx
Classification: Uncertain significance. Last evaluated: 2024-12-20. Review status: criteria provided, single submitter. Criteria: GeneDx Variant Classification Process June 2021. Collection method: clinical testing. Allele origin: germline. Affected: yes.
Comment: Not observed at significant frequency in large population cohorts (gnomAD); In silico analysis supports that this missense variant has a deleterious effect on protein structure/function; Has not been previously published as pathogenic or benign to our knowledge